The following is an entry in ClinVar:

NM_014921.5(ADGRL1):c.2633G>C (p.Cys878Ser)

Genes: ADGRL1 (adhesion G protein-coupled receptor L1; minus strand), ADGRL1-AS1 (ADGRL1 antisense RNA 1; plus strand). Cytogenetic location: 19p13.12.
Variant type: single nucleotide variant.
Coding change: c.2633G>C on transcript NM_014921.5 (MANE Select); coding-DNA position 2633, G replaced by C.
Protein change: p.Cys878Ser; replaces cysteine 878 with serine.
Molecular consequence: missense variant.
Genome position (GRCh38, 1-based): chr19:14,157,363, C>G on the plus strand (G>C on the coding strand, the complement: ADGRL1 is on the minus strand). VCF-style: chr19-14157363-C-G. GRCh37 (hg19) VCF-style: chr19-14268175-C-G.
Other names: c.2648G>C, p.Cys883Ser (NM_001008701.3); short protein forms C878S, C883S.
Identifiers: ClinVar variation 4279723 (VCV004279723.1).

ClinVar aggregate classification (germline): Uncertain significance (1 of 4 stars; one submission).

Conditions:
Developmental delay, behavioral abnormalities, and neuropsychiatric disorders (DEDBANP). Identifiers: MedGen C5774224, MONDO:0859292, OMIM 620065.

gnomAD v4.1: 6 of 1,614,084 alleles (0.00037%); highest among the groups gnomAD compares: Non-Finnish European, 0.00051%; no homozygotes.

Submission:

Clinical Genomics Laboratory, Washington University in St. Louis
Classification: Uncertain significance for Developmental delay, behavioral abnormalities, and neuropsychiatric disorders. Last evaluated: 2025-03-12. Review status: criteria provided, single submitter. Criteria: ACMG Guidelines, 2015. Collection method: clinical testing. Allele origin: germline.
Comment: The ADGRL1 c.2633G>C (p.Cys878Ser) variant, to our knowledge, has not been reported in the medical literature and is absent from the general population (gnomAD v.2.1.1), indicating it is not a common variant. This variant occurs in a transmembrane domain that is well conserved across species and across other latrophilins that is restricted for missense variation, but computational predictors are uncertain as to the impact of this variant on ADGRL1 function. Due to limited information, and based on ACMG/AMP guidelines for variant interpretation (Richards S et al., PMID: 25741868), the clinical significance of this variant is uncertain at this time.